The following is an entry in ClinVar:

ClinVar aggregate classification (germline): Likely benign (1 of 4 stars; one submission).

gnomAD v4.1: 512 of 1,605,534 alleles (0.032%); highest among the groups gnomAD compares: Middle Eastern, 0.12%; no homozygotes.

Submission:

CeGaT Center for Human Genetics Tuebingen
Classification: Likely benign. Last evaluated: 2025-03-01. Review status: criteria provided, single submitter. Criteria: CeGaT Center For Human Genetics Tuebingen Variant Classification Criteria Version 2. Collection method: clinical testing. Allele origin: germline. Affected: yes. Observed: 1 variant allele.
Comment: TRPM3: BS2

NM_001366145.2(TRPM3):c.2351G>T (p.Gly784Val)

Gene: TRPM3 (transient receptor potential cation channel subfamily M member 3; minus strand). Cytogenetic location: 9q21.12.
Variant type: single nucleotide variant.
Coding change: c.2351G>T on transcript NM_001366145.2 (MANE Select); coding-DNA position 2351, G replaced by T.
Protein change: p.Gly784Val; replaces glycine 784 with valine.
Molecular consequence: missense variant.
Genome position (GRCh38, 1-based): chr9:70,618,874, C>A on the plus strand (G>T on the coding strand, the complement: TRPM3 is on the minus strand). VCF-style: chr9-70618874-C-A. GRCh37 (hg19) VCF-style: chr9-73233790-C-A.
Other names: c.2315G>T, p.Gly772Val (NM_001366151.2, NM_001007471.4); c.2426G>T, p.Gly809Val (NM_001366152.2, NM_001366147.2); c.1892G>T, p.Gly631Val (NM_001366154.2, NM_024971.7); c.1856G>T, p.Gly619Val (NM_020952.6); c.1826G>T, p.Gly609Val (NM_206944.5); c.1862G>T, p.Gly621Val (NM_206945.5); c.1931G>T, p.Gly644Val (NM_206946.5); c.1901G>T, p.Gly634Val (NM_206947.5); and 5 more; short protein forms G609V, G619V, G621V, G631V, G634V, G644V, G762V, G772V.
Identifiers: ClinVar variation 3778629 (VCV003778629.7).